The following is an entry in ClinVar:

NM_000384.3(APOB):c.12807T>C (p.Tyr4269=)

Gene: APOB (apolipoprotein B; minus strand). Cytogenetic location: 2p24.1.
Variant type: single nucleotide variant.
Coding change: c.12807T>C on transcript NM_000384.3 (MANE Select); coding-DNA position 12807, T replaced by C.
Protein change: p.Tyr4269=; no amino-acid change (tyrosine 4269 retained).
Molecular consequence: synonymous variant.
Genome position (GRCh38, 1-based): chr2:21,002,615, A>G on the plus strand (T>C on the coding strand, the complement: APOB is on the minus strand). VCF-style: chr2-21002615-A-G. GRCh37 (hg19) VCF-style: chr2-21225487-A-G.
Identifiers: ClinVar variation 334075 (VCV000334075.48), dbSNP rs181340304, ClinGen allele CA051203.

ClinVar aggregate classification (germline): Conflicting classifications of pathogenicity. Review status: criteria provided, conflicting classifications (1 of 4 stars). 7 submissions from 6 submitters: Uncertain significance (2); Benign (1); Likely benign (4). Last evaluated 2025-11-11.

Conditions:
Cardiovascular phenotype. Identifiers: MedGen CN230736.
Hypercholesterolemia, autosomal dominant, type B (FHCL2). Also called: Familial hypercholesterolemia 2; APOB-Related Familial Hypercholesterolemia, Autosomal Dominant; APOLIPOPROTEIN B-100, FAMILIAL DEFECTIVE; APOLIPOPROTEIN B-100, FAMILIAL LIGAND-DEFECTIVE; Familial Hypercholesterolemia Type B; HYPERCHOLESTEROLEMIA, FAMILIAL, DUE TO LIGAND-DEFECTIVE APOLIPOPROTEIN B. Identifiers: MedGen C1704417, MONDO:0007751, OMIM 144010.
Familial hypobetalipoproteinemia 1. Also called: APOB-Related Familial Hypobetalipoproteinemia; Hypobetalipoproteinemia, normotriglyceridemic; Acanthocytosis with hypobetalipoproteinemia. Identifiers: MedGen C4551990, MONDO:0014252, OMIM 615558.

Allele frequency attached by ClinVar (database versions not stated): TOPMed 0.00005; 1000 Genomes Project 30x 0.00016; 1000 Genomes Project 0.00020; gnomAD exomes 0.00039 and 0.00084; ExAC 0.00068; gnomAD 0.00088 and 0.00093.
gnomAD v4.1: 696 of 1,614,080 alleles (0.043%); highest among the groups gnomAD compares: Non-Finnish European, 0.0076%; 5 homozygotes.

Submissions (7):

Labcorp Genetics (formerly Invitae), Labcorp
Classification: Benign for Familial hypobetalipoproteinemia 1; Hypercholesterolemia, autosomal dominant, type B. Last evaluated: 2025-11-11. Review status: criteria provided, single submitter. Criteria: Invitae Variant Classification Sherloc (09022015). Collection method: clinical testing. Allele origin: germline.

ARUP Laboratories, Molecular Genetics and Genomics, ARUP Laboratories
Classification: Likely benign. Last evaluated: 2025-01-15. Review status: criteria provided, single submitter. Criteria: ARUP Molecular Germline Variant Investigation Process 2024. Collection method: clinical testing. Allele origin: germline.

Blueprint Genetics
Classification: Likely benign. Last evaluated: 2024-11-11. Review status: criteria provided, single submitter. Criteria: ACMG Guidelines, 2015. Collection method: clinical testing. Allele origin: germline.

CeGaT Center for Human Genetics Tuebingen
Classification: Likely benign. Last evaluated: 2022-05-01. Review status: criteria provided, single submitter. Criteria: CeGaT Center For Human Genetics Tuebingen Variant Classification Criteria Version 2. Collection method: clinical testing. Allele origin: germline. Affected: yes. Observed: 1 variant allele.
Comment: APOB: BP4, BP7

Ambry Genetics
Classification: Likely benign for Cardiovascular phenotype. Last evaluated: 2021-03-10. Review status: criteria provided, single submitter. Criteria: Ambry Variant Classification Scheme 2023. Collection method: clinical testing. Allele origin: germline.

Illumina Laboratory Services, Illumina
Classification: Uncertain significance for Hypercholesterolemia, autosomal dominant, type B. Last evaluated: 2018-01-13. Review status: criteria provided, single submitter. Criteria: ICSL Variant Classification Criteria 13 December 2019. Collection method: clinical testing. Allele origin: germline.

Illumina Laboratory Services, Illumina
Classification: Uncertain significance for Familial hypobetalipoproteinemia 1. Last evaluated: 2018-01-13. Review status: criteria provided, single submitter. Criteria: ICSL Variant Classification Criteria 13 December 2019. Collection method: clinical testing. Allele origin: germline.